The following is an entry in ClinVar:

NM_001256545.2(MEGF10):c.522G>A (p.Arg174=)

Gene: MEGF10 (multiple EGF like domains 10; plus strand). Cytogenetic location: 5q23.2.
Variant type: single nucleotide variant.
Coding change: c.522G>A on transcript NM_001256545.2 (MANE Select); coding-DNA position 522, G replaced by A.
Protein change: p.Arg174=; no amino-acid change (arginine 174 retained).
Molecular consequence: synonymous variant.
Genome position (GRCh38, 1-based): chr5:127,396,641, G>A. VCF-style: chr5-127396641-G-A. GRCh37 (hg19) VCF-style: chr5-126732333-G-A.
Other names: c.522G>A, p.Arg174= (NM_001308119.2, NM_001308121.2, NM_032446.3).
Identifiers: ClinVar variation 382916 (VCV000382916.16), dbSNP rs201076330, ClinGen allele CA3391313.
Genomic context (GRCh38, chr5:127,396,641, plus strand): 5'-CAAAAATGGGGCTCTGTGCAACCCCATCACCGGGGCTTGCCACTGTGCTGCGGGCTTCCG[G>A]GGCTGGCGCTGCGAGGACCGCTGTGAGCAGGGCACCTATGGTAACGACTGTCATCAGAGA-3'
Protein context (NP_001243474.1, residues 164-184): TGACHCAAGF[Arg174=]GWRCEDRCEQ

ClinVar aggregate classification (germline): Conflicting classifications of pathogenicity. Review status: criteria provided, conflicting classifications (1 of 4 stars). 3 submissions from 3 submitters: Uncertain significance (1); Benign (1); Likely benign (1). Last evaluated 2025-12-31.

Conditions:
MEGF10-related myopathy (CMYO10A). Also called: Congenital myopathy 10A, severe variant. Identifiers: Orphanet 439212, MedGen C3280679, MONDO:0013731, OMIM 614399.

Allele frequency attached by ClinVar (database versions not stated): gnomAD exomes 0.00004 and 0.00020; gnomAD 0.00005 and 0.00016; TOPMed 0.00006; ExAC 0.00019; 1000 Genomes Project 30x 0.00250; 1000 Genomes Project 0.00280.
gnomAD v4.1: 92 of 1,614,044 alleles (0.0057%); highest among the groups gnomAD compares: East Asian, 0.17%; no homozygotes.

Submissions (3):

Labcorp Genetics (formerly Invitae), Labcorp
Classification: Benign for MEGF10-related myopathy. Last evaluated: 2025-12-31. Review status: criteria provided, single submitter. Criteria: Invitae Variant Classification Sherloc (09022015). Collection method: clinical testing. Allele origin: germline.

Illumina Laboratory Services, Illumina
Classification: Uncertain significance for MEGF10-related myopathy. Last evaluated: 2018-01-13. Review status: criteria provided, single submitter. Criteria: ICSL Variant Classification Criteria 13 December 2019. Collection method: clinical testing. Allele origin: germline.

GeneDx
Classification: Likely benign. Last evaluated: 2016-07-27. Review status: criteria provided, single submitter. Criteria: GeneDx Variant Classification (06012015). Collection method: clinical testing. Allele origin: germline. Affected: yes.
Comment: This variant is considered likely benign or benign based on one or more of the following criteria: it is a conservative change, it occurs at a poorly conserved position in the protein, it is predicted to be benign by multiple in silico algorithms, and/or has population frequency not consistent with disease.